The following is an entry in ClinVar:

ClinVar aggregate classification (germline): Uncertain significance. Review status: criteria provided, multiple submitters, no conflicts (2 of 4 stars). 2 submissions from 2 submitters: Uncertain significance (2). Last evaluated 2024-05-31.

Conditions:
Succinate-semialdehyde dehydrogenase deficiency (SSADHD). Also called: 4-HYDROXYBUTYRIC ACIDURIA; GABA METABOLIC DEFECT; SSADH DEFICIENCY; Succinic Semialdehyde Dehydrogenase Deficiency. Identifiers: Orphanet 22, MedGen C0268631, MONDO:0010083, OMIM 271980.

gnomAD v4.1: 2 of 1,614,152 alleles (0.00012%); highest among the groups gnomAD compares: Non-Finnish European, 0.00017%; no homozygotes.

Submissions (2):

GeneDx
Classification: Uncertain significance. Last evaluated: 2024-05-31. Review status: criteria provided, single submitter. Criteria: GeneDx Variant Classification Process June 2021. Collection method: clinical testing. Allele origin: germline. Affected: yes.
Comment: Not observed at significant frequency in large population cohorts (gnomAD); In silico analysis supports that this missense variant has a deleterious effect on protein structure/function; Has not been previously published as pathogenic or benign to our knowledge

Juno Genomics, Hangzhou Juno Genomics, Inc
Classification: Uncertain significance for Succinate-semialdehyde dehydrogenase deficiency. Review status: criteria provided, single submitter. Criteria: ACMG Guidelines, 2015. Collection method: clinical testing. Allele origin: germline.
Comment: Absent from controls (or at extremely low frequency if recessive) in Genome Aggregation Database.;Multiple lines of computational evidence support a deleterious effect on the gene or gene product.

NM_001080.3(ALDH5A1):c.1058A>G (p.His353Arg)

Gene: ALDH5A1 (aldehyde dehydrogenase 5 family member A1; plus strand). Cytogenetic location: 6p22.3.
Variant type: single nucleotide variant.
Coding change: c.1058A>G on transcript NM_001080.3 (MANE Select); coding-DNA position 1058, A replaced by G.
Protein change: p.His353Arg; replaces histidine 353 with arginine.
Molecular consequence: missense variant.
Genome position (GRCh38, 1-based): chr6:24,522,810, A>G. VCF-style: chr6-24522810-A-G. GRCh37 (hg19) VCF-style: chr6-24523038-A-G.
Other names: c.914A>G, p.His305Arg (NM_001368954.1); c.1097A>G, p.His366Arg (NM_170740.1); short protein forms H305R, H353R, H366R.
Identifiers: ClinVar variation 3383783 (VCV003383783.3).